The following is an entry in ClinVar:

NM_152383.5(DIS3L2):c.97G>C (p.Gly33Arg)

Gene: DIS3L2 (DIS3 like 3'-5' exoribonuclease 2; plus strand). Cytogenetic location: 2q37.1.
Variant type: single nucleotide variant.
Coding change: c.97G>C on transcript NM_152383.5 (MANE Select); coding-DNA position 97, G replaced by C.
Protein change: p.Gly33Arg; replaces glycine 33 with arginine.
Molecular consequence: missense variant. On other transcripts: non-coding transcript variant (2).
Genome position (GRCh38, 1-based): chr2:232,015,558, G>C. VCF-style: chr2-232015558-G-C. GRCh37 (hg19) VCF-style: chr2-232880268-G-C.
Other names: c.97G>C, p.Gly33Arg (NM_001257281.2, NM_001257282.2); short protein forms G33R.
Identifiers: ClinVar variation 864192 (VCV000864192.11), dbSNP rs746567735, ClinGen allele CA2163720.

ClinVar aggregate classification (germline): Uncertain significance. Review status: criteria provided, multiple submitters, no conflicts (2 of 4 stars). 2 submissions from 2 submitters: Uncertain significance (2). Last evaluated 2024-07-29.

Conditions:
Inborn genetic diseases. Identifiers: MedGen C0950123, MeSH D030342.
Perlman syndrome (PRLMNS). Identifiers: Orphanet 2849, MedGen C0796113, MONDO:0009965, OMIM 267000.

Allele frequency attached by ClinVar (database versions not stated): gnomAD exomes 0.00001; ExAC 0.00002; gnomAD 0.00002; TOPMed 0.00003.
gnomAD v4.1: 6 of 1,613,914 alleles (0.00037%); highest among the groups gnomAD compares: African/African-American, 0.008%; no homozygotes.

Submissions (2):

Labcorp Genetics (formerly Invitae), Labcorp
Classification: Uncertain significance for Perlman syndrome. Last evaluated: 2024-07-29. Review status: criteria provided, single submitter. Criteria: Invitae Variant Classification Sherloc (09022015). Collection method: clinical testing. Allele origin: germline.
Comment: This sequence change replaces glycine, which is neutral and non-polar, with arginine, which is basic and polar, at codon 33 of the DIS3L2 protein (p.Gly33Arg). This variant is present in population databases (rs746567735, gnomAD 0.01%). This variant has not been reported in the literature in individuals affected with DIS3L2-related conditions. ClinVar contains an entry for this variant (Variation ID: 864192). An algorithm developed to predict the effect of missense changes on protein structure and function (PolyPhen-2) suggests that this variant is likely to be tolerated. In summary, the available evidence is currently insufficient to determine the role of this variant in disease. Therefore, it has been classified as a Variant of Uncertain Significance.

Ambry Genetics
Classification: Uncertain significance for Inborn genetic diseases. Last evaluated: 2023-05-17. Review status: criteria provided, single submitter. Criteria: Ambry Variant Classification Scheme 2023. Collection method: clinical testing. Allele origin: germline.